The following is an entry in ClinVar:

ClinVar aggregate classification (germline): Uncertain significance (1 of 4 stars; one submission).

Submission:

GeneDx
Classification: Uncertain significance. Last evaluated: 2025-07-21. Review status: criteria provided, single submitter. Criteria: GeneDx Variant Classification Process June 2021. Collection method: clinical testing. Allele origin: germline. Affected: yes.
Comment: In-frame deletion of 2 amino acids and insertion of 1 different amino acid in a non-repeat region; Not observed at significant frequency in large population cohorts (gnomAD); In silico analysis suggests that this variant does not alter protein structure/function; Has not been previously published as pathogenic or benign to our knowledge

NM_003773.5(HYAL2):c.1071_1073del (p.Asn357_Val358delinsLys)

Gene: HYAL2 (hyaluronidase 2; minus strand). Cytogenetic location: 3p21.31.
Variant type: Deletion.
Coding change: c.1071_1073del on transcript NM_003773.5 (MANE Select); coding-DNA positions 1071 to 1073, 3 bases deleted (TGT; older notation c.1071_1073delTGT).
Protein change: p.Asn357_Val358delinsLys.
Molecular consequence: inframe indel.
Genome position (GRCh38, 1-based): chr3:50,318,478-50,318,480, ACA deleted on the plus strand (TGT on the coding strand, the reverse complement: HYAL2 is on the minus strand). VCF-style (leftmost placement, unchanged base first): chr3-50318477-CACA-C. GRCh37 (hg19) VCF-style: chr3-50355908-CACA-C.
Other names: c.1071_1073del, p.Asn357_Val358delinsLys (NM_033158.5).
Identifiers: ClinVar variation 4687009 (VCV004687009.1).
Genomic context (GRCh38, chr3:50,318,477, plus strand): 5'-GCGCACACAGCGCCCATGGCCATGGCACTGGGCCCGGCTGCAATATTGGGTGGCCCAGGA[CACA>C]TTGACCACGTAGGGGACCAGCAGCCGTGTCAGGTAATCTTTGAGGTACTGGCAGGTCTCC-3'